The following is an entry in ClinVar:

ClinVar aggregate classification (germline): Uncertain significance (1 of 4 stars; one submission).

Conditions:
KBG syndrome (KBGS). Also called: ANKRD11-Related KBG Syndrome. Identifiers: Orphanet 2332, MedGen C0220687, MONDO:0007846, OMIM 148050.

Submission:

Labcorp Genetics (formerly Invitae), Labcorp
Classification: Uncertain significance for KBG syndrome. Last evaluated: 2024-03-27. Review status: criteria provided, single submitter. Criteria: Invitae Variant Classification Sherloc (09022015). Collection method: clinical testing. Allele origin: germline.
Comment: This sequence change replaces glutamic acid, which is acidic and polar, with lysine, which is basic and polar, at codon 2247 of the ANKRD11 protein (p.Glu2247Lys). This variant is not present in population databases (gnomAD no frequency). This variant has not been reported in the literature in individuals affected with ANKRD11-related conditions. Advanced modeling of protein sequence and biophysical properties (such as structural, functional, and spatial information, amino acid conservation, physicochemical variation, residue mobility, and thermodynamic stability) performed at Invitae indicates that this missense variant is not expected to disrupt ANKRD11 protein function with a negative predictive value of 95%. In summary, the available evidence is currently insufficient to determine the role of this variant in disease. Therefore, it has been classified as a Variant of Uncertain Significance.

NM_013275.6(ANKRD11):c.6739G>A (p.Glu2247Lys)

Gene: ANKRD11 (ankyrin repeat domain 11; minus strand). Cytogenetic location: 16q24.3.
Variant type: single nucleotide variant.
Coding change: c.6739G>A on transcript NM_013275.6 (MANE Select); coding-DNA position 6739, G replaced by A.
Protein change: p.Glu2247Lys; replaces glutamic acid 2247 with lysine.
Molecular consequence: missense variant.
Genome position (GRCh38, 1-based): chr16:89,279,803, C>T on the plus strand (G>A on the coding strand, the complement: ANKRD11 is on the minus strand). VCF-style: chr16-89279803-C-T. GRCh37 (hg19) VCF-style: chr16-89346211-C-T.
Other names: c.6739G>A, p.Glu2247Lys (NM_001256182.2, NM_001256183.2); short protein forms E2247K.
Identifiers: ClinVar variation 3637127 (VCV003637127.2).